The following is an entry in ClinVar:

ClinVar aggregate classification (germline): Uncertain significance (1 of 4 stars; one submission).

Submission:

CeGaT Center for Human Genetics Tuebingen
Classification: Uncertain significance. Last evaluated: 2025-09-01. Review status: criteria provided, single submitter. Criteria: CeGaT Center For Human Genetics Tuebingen Variant Classification Criteria Version 2. Collection method: clinical testing. Allele origin: germline. Affected: yes. Observed: 1 variant allele.
Comment: SMARCA2: PM2, PP2

NM_003070.5(SMARCA2):c.4133C>G (p.Pro1378Arg)

Gene: SMARCA2 (SWI/SNF related BAF chromatin remodeling complex subunit ATPase 2; plus strand). Cytogenetic location: 9p24.3.
Variant type: single nucleotide variant.
Coding change: c.4133C>G on transcript NM_003070.5 (MANE Select); coding-DNA position 4133, C replaced by G.
Protein change: p.Pro1378Arg; replaces proline 1378 with arginine.
Molecular consequence: missense variant.
Genome position (GRCh38, 1-based): chr9:2,161,837, C>G. VCF-style: chr9-2161837-C-G. GRCh37 (hg19) VCF-style: chr9-2161837-C-G.
Other names: c.4133C>G, p.Pro1378Arg (NM_001289396.2, NM_139045.4); c.3959C>G, p.Pro1320Arg (NM_001289397.2); c.161C>G, p.Pro54Arg (NM_001289398.2); c.245C>G, p.Pro82Arg (NM_001289399.2); c.251C>G, p.Pro84Arg (NM_001289400.2); short protein forms P1320R, P1378R, P54R, P82R, P84R.
Identifiers: ClinVar variation 4281276 (VCV004281276.7).